The following is an entry in ClinVar:

NM_014989.7(RIMS1):c.3713C>T (p.Ala1238Val)

Gene: RIMS1 (regulating synaptic membrane exocytosis 1; plus strand). Cytogenetic location: 6q13.
Variant type: single nucleotide variant.
Coding change: c.3713C>T on transcript NM_014989.7 (MANE Select); coding-DNA position 3713, C replaced by T.
Protein change: p.Ala1238Val; replaces alanine 1238 with valine.
Molecular consequence: missense variant. On other transcripts: intron variant (56).
Genome position (GRCh38, 1-based): chr6:72,290,837, C>T. VCF-style: chr6-72290837-C-T. GRCh37 (hg19) VCF-style: chr6-73000540-C-T.
Other names: c.1787C>T, p.Ala596Val (NM_001350420.2); c.1769C>T, p.Ala590Val (NM_001350431.2); c.1856C>T, p.Ala619Val (NM_001350438.2, NM_001350456.2); c.1859C>T, p.Ala620Val (NM_001350442.2, NM_001350446.2); c.1718C>T, p.Ala573Val (NM_001350462.2); c.1632-1097C>T (NM_001350428.2); c.1560-1097C>T (NM_001350459.2, NM_001350424.2); c.1641-1097C>T (NM_001350437.2); and 31 more; short protein forms A1238V, A573V, A590V, A596V, A619V, A620V.
Identifiers: ClinVar variation 1020986 (VCV001020986.8), dbSNP rs764984137, ClinGen allele CA3886326.

ClinVar aggregate classification (germline): Uncertain significance (1 of 4 stars; one submission).

Allele frequency attached by ClinVar (database versions not stated): gnomAD exomes 0.00002 and 0.00005; gnomAD 0.00003; TOPMed 0.00003; ExAC 0.00008.
gnomAD v4.1: 35 of 1,612,724 alleles (0.0022%); highest among the groups gnomAD compares: East Asian, 0.027%; no homozygotes.

Submission:

Labcorp Genetics (formerly Invitae), Labcorp
Classification: Uncertain significance. Last evaluated: 2025-04-08. Review status: criteria provided, single submitter. Criteria: Invitae Variant Classification Sherloc (09022015). Collection method: clinical testing. Allele origin: germline.
Comment: This sequence change replaces alanine, which is neutral and non-polar, with valine, which is neutral and non-polar, at codon 1238 of the RIMS1 protein (p.Ala1238Val). This variant is present in population databases (rs764984137, gnomAD 0.07%), and has an allele count higher than expected for a pathogenic variant. This variant has not been reported in the literature in individuals affected with RIMS1-related conditions. ClinVar contains an entry for this variant (Variation ID: 1020986). An algorithm developed to predict the effect of missense changes on protein structure and function (PolyPhen-2) suggests that this variant is likely to be disruptive. Algorithms developed to predict the effect of sequence changes on RNA splicing suggest that this variant may disrupt the consensus splice site. In summary, the available evidence is currently insufficient to determine the role of this variant in disease. Therefore, it has been classified as a Variant of Uncertain Significance.